The following is an entry in ClinVar:

NM_014687.4(RUBCN):c.1899C>T (p.Leu633=)

Gene: RUBCN (rubicon autophagy regulator; minus strand). Cytogenetic location: 3q29.
Variant type: single nucleotide variant.
Coding change: c.1899C>T on transcript NM_014687.4 (MANE Select); coding-DNA position 1899, C replaced by T.
Protein change: p.Leu633=; no amino-acid change (leucine 633 retained).
Molecular consequence: synonymous variant.
Genome position (GRCh38, 1-based): chr3:197,683,388, G>A on the plus strand (C>T on the coding strand, the complement: RUBCN is on the minus strand). VCF-style: chr3-197683388-G-A. GRCh37 (hg19) VCF-style: chr3-197410259-G-A.
Other names: c.1764C>T, p.Leu588= (NM_001145642.5); c.2016C>T, p.Leu672= (NM_001346873.2).
Identifiers: ClinVar variation 4535027 (VCV004535027.6).

ClinVar aggregate classification (germline): Likely benign (1 of 4 stars; one submission).

gnomAD v4.1: 2 of 1,614,160 alleles (0.00012%); highest among the groups gnomAD compares: Non-Finnish European, 0.00017%; no homozygotes.

Submission:

CeGaT Center for Human Genetics Tuebingen
Classification: Likely benign. Last evaluated: 2025-10-01. Review status: criteria provided, single submitter. Criteria: CeGaT Center For Human Genetics Tuebingen Variant Classification Criteria Version 2. Collection method: clinical testing. Allele origin: germline. Affected: yes. Observed: 1 variant allele.
Comment: RUBCN: BP4, BP7